The following is an entry in ClinVar:

ClinVar aggregate classification (germline): Uncertain significance. Review status: criteria provided, multiple submitters, no conflicts (2 of 4 stars). 3 submissions from 3 submitters: Uncertain significance (3). Last evaluated 2026-02-27.

Conditions:
Renal coloboma syndrome (PAPRS). Also called: COLOBOMA OF OPTIC NERVE WITH RENAL DISEASE; OPTIC COLOBOMA, VESICOURETERAL REFLUX, AND RENAL ANOMALIES; OPTIC NERVE COLOBOMA WITH RENAL DISEASE; PAPILLORENAL SYNDROME; PAPILLORENAL SYNDROME WITH MILD OCULAR ABNORMALITIES; CONGENITAL ANOMALIES OF THE KIDNEY AND URINARY TRACT WITH OR WITHOUT OCULAR ABNORMALITIES. Identifiers: Orphanet 1475, MedGen C1852759, MONDO:0007352, OMIM 120330.
Focal segmental glomerulosclerosis 7 (FSGS7). Identifiers: Orphanet 656, MedGen C4014925, MONDO:0014451, OMIM 616002.
Inborn genetic diseases. Identifiers: MedGen C0950123, MeSH D030342.

Submissions (3):

Ambry Genetics
Classification: Uncertain significance for Inborn genetic diseases. Last evaluated: 2026-02-27. Review status: criteria provided, single submitter. Criteria: Ambry Variant Classification Scheme 2023. Collection method: clinical testing. Allele origin: germline.

Labcorp Genetics (formerly Invitae), Labcorp
Classification: Uncertain significance for Renal coloboma syndrome; Focal segmental glomerulosclerosis 7. Last evaluated: 2021-04-14. Review status: criteria provided, single submitter. Criteria: Invitae Variant Classification Sherloc (09022015). Collection method: clinical testing. Allele origin: germline.
Comment: This variant has not been reported in the literature in individuals with PAX2-related conditions. ClinVar contains an entry for this variant (Variation ID: 983348). In summary, the available evidence is currently insufficient to determine the role of this variant in disease. Therefore, it has been classified as a Variant of Uncertain Significance. This variant is not present in population databases (ExAC no frequency). This sequence change replaces glycine with glutamic acid at codon 265 of the PAX2 protein (p.Gly265Glu). The glycine residue is moderately conserved and there is a moderate physicochemical difference between glycine and glutamic acid.

New York Genome Center
Classification: Uncertain significance for Renal coloboma syndrome. Last evaluated: 2020-02-23. Review status: criteria provided, single submitter. Criteria: NYGC Assertion Criteria 2020. Collection method: clinical testing. Allele origin: germline. Observed: 1 heterozygote. Study: CSER-NYCKidSeq.

NM_000278.5(PAX2):c.794G>A (p.Gly265Glu)

Gene: PAX2 (paired box 2; plus strand). Cytogenetic location: 10q24.31.
Variant type: single nucleotide variant.
Coding change: c.794G>A on transcript NM_000278.5 (MANE Select); coding-DNA position 794, G replaced by A.
Protein change: p.Gly265Glu; replaces glycine 265 with glutamic acid.
Molecular consequence: missense variant.
Genome position (GRCh38, 1-based): chr10:100,809,111, G>A. VCF-style: chr10-100809111-G-A. GRCh37 (hg19) VCF-style: chr10-102568868-G-A.
Other names: c.863G>A (NM_003987.3); c.887G>A, p.Gly296Glu (NM_001304569.2); c.863G>A, p.Gly288Glu (NM_003987.5, NM_003990.5); c.794G>A, p.Gly265Glu (NM_003988.5, NM_003989.5); short protein forms G265E, G288E, G296E.
Identifiers: ClinVar variation 983348 (VCV000983348.8), dbSNP rs1847901674, ClinGen allele CA378259244.